The following is an entry in ClinVar:

ClinVar aggregate classification (germline): Uncertain significance (1 of 4 stars; one submission).

Conditions:
Combined immunodeficiency due to STIM1 deficiency. Also called: STIM1 DEFICIENCY; IMMUNODEFICIENCY 10. Identifiers: Orphanet 169090, Orphanet 317430, MedGen C2748557, MONDO:0013008, OMIM 612783.
Myopathy with tubular aggregates (TAM). Also called: Tubular Aggregate Myopathy. Identifiers: Orphanet 2593, MedGen C0410207, MONDO:0008051.
Stormorken syndrome (STRMK). Also called: THROMBOCYTOPATHY, ASPLENIA, AND MIOSIS. Identifiers: Orphanet 3204, MedGen C1861451, MONDO:0008497, OMIM 185070.

Allele frequency attached by ClinVar (database versions not stated): gnomAD below 0.00001 and 0.00002; gnomAD exomes below 0.00001.
gnomAD v4.1: 6 of 1,614,108 alleles (0.00037%); highest among the groups gnomAD compares: South Asian, 0.0066%; no homozygotes.

Submission:

Labcorp Genetics (formerly Invitae), Labcorp
Classification: Uncertain significance for Myopathy with tubular aggregates; Combined immunodeficiency due to STIM1 deficiency; Stormorken syndrome. Last evaluated: 2023-08-10. Review status: criteria provided, single submitter. Criteria: Invitae Variant Classification Sherloc (09022015). Collection method: clinical testing. Allele origin: germline.
Comment: In summary, the available evidence is currently insufficient to determine the role of this variant in disease. Therefore, it has been classified as a Variant of Uncertain Significance. Advanced modeling of protein sequence and biophysical properties (such as structural, functional, and spatial information, amino acid conservation, physicochemical variation, residue mobility, and thermodynamic stability) performed at Invitae indicates that this missense variant is not expected to disrupt STIM1 protein function. ClinVar contains an entry for this variant (Variation ID: 654839). This variant has not been reported in the literature in individuals affected with STIM1-related conditions. This variant is not present in population databases (gnomAD no frequency). This sequence change replaces serine, which is neutral and polar, with tyrosine, which is neutral and polar, at codon 519 of the STIM1 protein (p.Ser519Tyr).

NM_001382567.1(STIM1):c.1649C>A (p.Ser550Tyr)

Gene: STIM1 (stromal interaction molecule 1; plus strand). Cytogenetic location: 11p15.4.
Variant type: single nucleotide variant.
Coding change: c.1649C>A on transcript NM_001382567.1 (MANE Select); coding-DNA position 1649, C replaced by A.
Protein change: p.Ser550Tyr; replaces serine 550 with tyrosine.
Molecular consequence: missense variant. On other transcripts: non-coding transcript variant (3).
Genome position (GRCh38, 1-based): chr11:4,091,296, C>A. VCF-style: chr11-4091296-C-A. GRCh37 (hg19) VCF-style: chr11-4112526-C-A.
Other names: c.1421C>A, p.Ser474Tyr (NM_001382569.1); c.1328C>A, p.Ser443Tyr (NM_001382570.1); c.1076C>A, p.Ser359Tyr (NM_001382571.1); c.1334C>A, p.Ser445Tyr (NM_001382575.1, NM_001382576.1, NM_001382577.1); c.1371C>A, p.Phe457Leu (NM_001382578.1, NM_001382579.1); c.1104C>A, p.Phe368Leu (NM_001382580.1); c.1874C>A, p.Ser625Tyr (NM_001277961.3); c.1593C>A, p.Phe531Leu (NM_001277962.2); and 4 more; short protein forms F531L, S519Y, S625Y, F368L, F457L, S356Y, S359Y, S443Y.
Identifiers: ClinVar variation 654839 (VCV000654839.10), dbSNP rs1590703131, ClinGen allele CA379196615.
Genomic context (GRCh38, chr11:4,091,296, plus strand): 5'-CATCCAATATATGTCCCTTTCTTCCTCTCTGCCCCATGTCTTGCAGGGATTTGACCCATT[C>A]CGATTCGGAGTCCTCCCTCCACATGAGTGACCGCCAGCGTGTGGCCCCCAAACCTCCTCA-3'
Protein context (NP_001369496.1, residues 540-560): GLGSQRDLTH[Ser550Tyr]DSESSLHMSD